The following is an entry in ClinVar:

NM_182919.4(TICAM1):c.367C>T (p.Arg123Cys)

Gene: TICAM1 (TIR domain containing adaptor molecule 1; minus strand). Cytogenetic location: 19p13.3.
Variant type: single nucleotide variant.
Coding change: c.367C>T on transcript NM_182919.4 (MANE Select); coding-DNA position 367, C replaced by T.
Protein change: p.Arg123Cys; replaces arginine 123 with cysteine.
Molecular consequence: missense variant. On other transcripts: intron variant (1).
Genome position (GRCh38, 1-based): chr19:4,818,011, G>A on the plus strand (C>T on the coding strand, the complement: TICAM1 is on the minus strand). VCF-style: chr19-4818011-G-A. GRCh37 (hg19) VCF-style: chr19-4818023-G-A.
Other names: c.325C>T, p.Arg109Cys (NM_001385678.1); c.232C>T, p.Arg78Cys (NM_001385679.1); c.-71-205C>T (NM_001385680.1); short protein forms R109C, R123C, R78C.
Identifiers: ClinVar variation 1010889 (VCV001010889.4), dbSNP rs373241772, ClinGen allele CA9105371.
Genomic context (GRCh38, chr19:4,818,011, plus strand): 5'-GGTTTCGGGCCTCATCCTGAAGTTCCCCCAGCCGGTGGTCGTCCCTGGAGCTGAGGGTGC[G>A]GACGGCTTCCTGGTAGGCCACGTCCCGCAGCGAGGCGGGGCACAGCTTCTCCTCAGCCAG-3'
Protein context (NP_891549.1, residues 113-133): LRDVAYQEAV[Arg123Cys]TLSSRDDHRL

ClinVar aggregate classification (germline): Uncertain significance (1 of 4 stars; one submission).

Conditions:
Encephalopathy, acute, infection-induced (herpes-specific), susceptibility to, 6. Also called: Herpes simplex encephalitis, susceptibility to, 4. Identifiers: Orphanet 1930, MedGen C3553869, MONDO:0013921, OMIM 614850.

Allele frequency attached by ClinVar (database versions not stated): ESP Exome Variant Server 0.00008; gnomAD exomes 0.00009 and 0.00015; TOPMed 0.00002; ExAC 0.00017; 1000 Genomes Project 0.00020; 1000 Genomes Project 30x 0.00031.
gnomAD v4.1: 130 of 1,611,870 alleles (0.0081%); highest among the groups gnomAD compares: South Asian, 0.12%; no homozygotes.

Submission:

Labcorp Genetics (formerly Invitae), Labcorp
Classification: Uncertain significance for Encephalopathy, acute, infection-induced (herpes-specific), susceptibility to, 6. Last evaluated: 2022-07-06. Review status: criteria provided, single submitter. Criteria: Invitae Variant Classification Sherloc (09022015). Collection method: clinical testing. Allele origin: germline.
Comment: This sequence change replaces arginine, which is basic and polar, with cysteine, which is neutral and slightly polar, at codon 123 of the TICAM1 protein (p.Arg123Cys). This variant is present in population databases (rs373241772, gnomAD 0.1%). This variant has not been reported in the literature in individuals affected with TICAM1-related conditions. ClinVar contains an entry for this variant (Variation ID: 1010889). Algorithms developed to predict the effect of missense changes on protein structure and function output the following: SIFT: "Deleterious"; PolyPhen-2: "Benign"; Align-GVGD: "Class C15". The cysteine amino acid residue is found in multiple mammalian species, which suggests that this missense change does not adversely affect protein function. In summary, the available evidence is currently insufficient to determine the role of this variant in disease. Therefore, it has been classified as a Variant of Uncertain Significance.